The following is an entry in ClinVar:

NM_000742.4(CHRNA2):c.1531G>A (p.Val511Ile)

Gene: CHRNA2 (cholinergic receptor nicotinic alpha 2 subunit; minus strand). Cytogenetic location: 8p21.2.
Variant type: single nucleotide variant.
Coding change: c.1531G>A on transcript NM_000742.4 (MANE Select); coding-DNA position 1531, G replaced by A.
Protein change: p.Val511Ile; replaces valine 511 with isoleucine.
Molecular consequence: missense variant.
Genome position (GRCh38, 1-based): chr8:27,461,688, C>T on the plus strand (G>A on the coding strand, the complement: CHRNA2 is on the minus strand). VCF-style: chr8-27461688-C-T. GRCh37 (hg19) VCF-style: chr8-27319205-C-T.
Other names: c.1486G>A, p.Val496Ile (NM_001282455.2); c.1054G>A, p.Val352Ile (NM_001347705.2, NM_001347706.2); c.937G>A, p.Val313Ile (NM_001347707.2, NM_001347708.2); short protein forms V511I, V352I, V496I, V313I.
Identifiers: ClinVar variation 572660 (VCV000572660.6), dbSNP rs796052306, ClinGen allele CA174237170.

ClinVar aggregate classification (germline): Uncertain significance. Review status: criteria provided, multiple submitters, no conflicts (2 of 4 stars). 2 submissions from 2 submitters: Uncertain significance (2). Last evaluated 2025-10-29.

Conditions:
Familial sleep-related hypermotor epilepsy. Also called: Autosomal Dominant Sleep-Related Hypermotor (Hyperkinetic) Epilepsy. Identifiers: Orphanet 98784, MedGen C3696898, MONDO:0000030.

Allele frequency attached by ClinVar (database versions not stated): gnomAD exomes below 0.00001; gnomAD 0.00002 and 0.00003; TOPMed 0.00002.
gnomAD v4.1: 12 of 1,614,218 alleles (0.00074%); highest among the groups gnomAD compares: East Asian, 0.0045%; no homozygotes.

Submissions (2):

Labcorp Genetics (formerly Invitae), Labcorp
Classification: Uncertain significance. Last evaluated: 2025-10-29. Review status: criteria provided, single submitter. Criteria: Invitae Variant Classification Sherloc (09022015). Collection method: clinical testing. Allele origin: germline.
Comment: This sequence change replaces valine, which is neutral and non-polar, with isoleucine, which is neutral and non-polar, at codon 511 of the CHRNA2 protein (p.Val511Ile). This variant is present in population databases (no rsID available, gnomAD 0.007%). This variant has not been reported in the literature in individuals affected with CHRNA2-related conditions. ClinVar contains an entry for this variant (Variation ID: 572660). Invitae Evidence Modeling of protein sequence and biophysical properties (such as structural, functional, and spatial information, amino acid conservation, physicochemical variation, residue mobility, and thermodynamic stability) indicates that this missense variant is not expected to disrupt CHRNA2 protein function with a negative predictive value of 80%. In summary, the available evidence is currently insufficient to determine the role of this variant in disease. Therefore, it has been classified as a Variant of Uncertain Significance.

GeneDx
Classification: Uncertain significance. Last evaluated: 2022-10-13. Review status: criteria provided, single submitter. Criteria: GeneDx Variant Classification Process June 2021. Collection method: clinical testing. Allele origin: germline. Affected: yes.
Comment: Not observed at significant frequency in large population cohorts (gnomAD); In silico analysis supports that this missense variant does not alter protein structure/function; Has not been previously published as pathogenic or benign to our knowledge